The following is an entry in ClinVar:

ClinVar aggregate classification (germline): Pathogenic (1 of 4 stars; one submission).

gnomAD v4.1: 5 of 1,614,098 alleles (0.00031%); highest among the groups gnomAD compares: Non-Finnish European, 0.00042%; no homozygotes.

Submission:

Labcorp Genetics (formerly Invitae), Labcorp
Classification: Pathogenic. Last evaluated: 2026-01-20. Review status: criteria provided, single submitter. Criteria: Invitae Variant Classification Sherloc (09022015). Collection method: clinical testing. Allele origin: germline.
Comment: This sequence change creates a premature translational stop signal (p.Leu313*) in the ADGRG1 gene. It is expected to result in an absent or disrupted protein product. Loss-of-function variants in ADGRG1 are known to be pathogenic (PMID: 15044805, 20929962). This variant is not present in population databases (gnomAD no frequency). This variant has not been reported in the literature in individuals affected with ADGRG1-related conditions. For these reasons, this variant has been classified as Pathogenic.

Literature cited by the submitters: PubMed 15044805; PubMed 20929962.

NM_201525.4(ADGRG1):c.938T>A (p.Leu313Ter)

Gene: ADGRG1 (adhesion G protein-coupled receptor G1; plus strand). Cytogenetic location: 16q21.
Variant type: single nucleotide variant.
Coding change: c.938T>A on transcript NM_201525.4 (MANE Select); coding-DNA position 938, T replaced by A.
Protein change: p.Leu313Ter; replaces leucine 313 with a stop codon.
Molecular consequence: nonsense.
Genome position (GRCh38, 1-based): chr16:57,655,913, T>A. VCF-style: chr16-57655913-T-A. GRCh37 (hg19) VCF-style: chr16-57689825-T-A.
Other names: c.938T>A, p.Leu313Ter (NM_001145770.3, NM_001145771.3, NM_001145772.3 and 16 more transcripts); c.953T>A, p.Leu318Ter (NM_001145773.3, NM_001370433.1); c.428T>A, p.Leu143Ter (NM_001290142.2); c.413T>A, p.Leu138Ter (NM_001290143.2, NM_001290144.2, NM_001370451.1 and 2 more transcripts); c.782T>A, p.Leu261Ter (NM_001370442.1); short protein forms L318*, L261*, L313*, L138*, L143*.
Identifiers: ClinVar variation 4727236 (VCV004727236.1).